The following is an entry in ClinVar:

NM_201384.3(PLEC):c.4772A>T (p.Gln1591Leu)

Gene: PLEC (plectin; minus strand). Cytogenetic location: 8q24.3.
Variant type: single nucleotide variant.
Coding change: c.4772A>T on transcript NM_201384.3 (MANE Select); coding-DNA position 4772, A replaced by T.
Protein change: p.Gln1591Leu; replaces glutamine 1591 with leucine.
Molecular consequence: missense variant. On other transcripts: intron variant (1).
Genome position (GRCh38, 1-based): chr8:143,925,157, T>A on the plus strand (A>T on the coding strand, the complement: PLEC is on the minus strand). VCF-style: chr8-143925157-T-A. GRCh37 (hg19) VCF-style: chr8-144999325-T-A.
Other names: c.4853A>T, p.Gln1618Leu (NM_000445.5); c.4730A>T, p.Gln1577Leu (NM_201378.4); c.4706A>T, p.Gln1569Leu (NM_201379.3); c.5183A>T, p.Gln1728Leu (NM_201380.4); c.4676A>T, p.Gln1559Leu (NM_201381.3); c.4772A>T, p.Gln1591Leu (NM_201382.4); c.4784A>T, p.Gln1595Leu (NM_201383.3); c.4125+1627A>T (NM_001410941.1); short protein forms Q1569L, Q1618L, Q1559L, Q1577L, Q1591L, Q1728L, Q1595L.
Identifiers: ClinVar variation 3933956 (VCV003933956.2).

ClinVar aggregate classification (germline): Uncertain significance. Review status: criteria provided, multiple submitters, no conflicts (2 of 4 stars). 2 submissions from 2 submitters: Uncertain significance (2). Last evaluated 2025-05-20.

Conditions:
Epidermolysis bullosa simplex with nail dystrophy (EBS5D). Identifiers: MedGen C4225309, MONDO:0014661, OMIM 616487.
Epidermolysis bullosa simplex 5C, with pyloric atresia (EBS5C). Also called: PLEC-Related Epidermolysis Bullosa with Pyloric Atresia; Epidermolysis bullosa simplex with pyloric atresia; PLEC1-Related Epidermolysis Bullosa with Pyloric Atresia. Identifiers: Orphanet 158684, MedGen C2677349, MONDO:0012807, OMIM 612138.
Epidermolysis bullosa simplex, Ogna type (EBS5A). Also called: Pidermolysis bullosa simplex 5A, Ogna type; EPIDERMOLYSIS BULLOSA SIMPLEX 5A, OGNA TYPE. Identifiers: Orphanet 79401, MedGen C0432317, MONDO:0007555, OMIM 131950.
Autosomal recessive limb-girdle muscular dystrophy type 2Q (LGMDR17). Also called: MUSCULAR DYSTROPHY, LIMB-GIRDLE, AUTOSOMAL RECESSIVE 17. Identifiers: Orphanet 254361, MedGen C3150989, MONDO:0013390, OMIM 613723.
Epidermolysis bullosa simplex 5B, with muscular dystrophy (EBS5B). Also called: EPIDERMOLYSIS BULLOSA SIMPLEX AND LIMB-GIRDLE MUSCULAR DYSTROPHY; Epidermolysis bullosa simplex with muscular dystrophy. Identifiers: Orphanet 257, MedGen C2931072, MONDO:0009181, OMIM 226670.
Inborn genetic diseases. Identifiers: MedGen C0950123, MeSH D030342.

gnomAD v4.1: 1 of 1,559,440 alleles (0.000064%); highest among the groups gnomAD compares: Admixed American, 0.0018%; no homozygotes.

Submissions (2):

Ambry Genetics
Classification: Uncertain significance for Inborn genetic diseases. Last evaluated: 2025-05-20. Review status: criteria provided, single submitter. Criteria: Ambry Variant Classification Scheme 2023. Collection method: clinical testing. Allele origin: germline.

Labcorp Genetics (formerly Invitae), Labcorp
Classification: Uncertain significance for Autosomal recessive limb-girdle muscular dystrophy type 2Q; Epidermolysis bullosa simplex, Ogna type; Epidermolysis bullosa simplex with nail dystrophy; Epidermolysis bullosa simplex 5C, with pyloric atresia; Epidermolysis bullosa simplex 5B, with muscular dystrophy. Last evaluated: 2025-02-15. Review status: criteria provided, single submitter. Criteria: Invitae Variant Classification Sherloc (09022015). Collection method: clinical testing. Allele origin: germline.
Comment: This sequence change replaces glutamine, which is neutral and polar, with leucine, which is neutral and non-polar, at codon 1618 of the PLEC protein (p.Gln1618Leu). This variant is not present in population databases (gnomAD no frequency). This variant has not been reported in the literature in individuals affected with PLEC-related conditions. An algorithm developed to predict the effect of missense changes on protein structure and function outputs the following: PolyPhen-2: "Not Available". The leucine amino acid residue is found in multiple mammalian species, which suggests that this missense change does not adversely affect protein function. In summary, the available evidence is currently insufficient to determine the role of this variant in disease. Therefore, it has been classified as a Variant of Uncertain Significance.